The following is an entry in ClinVar:

NM_000501.4(ELN):c.476G>A (p.Arg159Gln)

Gene: ELN (elastin; plus strand). Cytogenetic location: 7q11.23.
Variant type: single nucleotide variant.
Coding change: c.476G>A on transcript NM_000501.4 (MANE Select); coding-DNA position 476, G replaced by A.
Protein change: p.Arg159Gln; replaces arginine 159 with glutamine.
Molecular consequence: missense variant. On other transcripts: intron variant (1).
Genome position (GRCh38, 1-based): chr7:74,045,228, G>A. VCF-style: chr7-74045228-G-A. GRCh37 (hg19) VCF-style: chr7-73459558-G-A.
Other names: c.446G>A, p.Arg149Gln (NM_001081752.3, NM_001278917.2); c.491G>A, p.Arg164Gln (NM_001081753.3, NM_001081754.3); c.476G>A, p.Arg159Gln (NM_001081755.3, NM_001278912.2, NM_001278915.2 and 2 more transcripts); c.440G>A, p.Arg147Gln (NM_001278913.2); c.461G>A, p.Arg154Gln (NM_001278914.2); c.439+1308G>A (NM_001278918.2); short protein forms R159Q, R164Q, R147Q, R149Q, R154Q.
Identifiers: ClinVar variation 493455 (VCV000493455.49), dbSNP rs369045063, ClinGen allele CA4292522.

ClinVar aggregate classification (germline): Conflicting classifications of pathogenicity. Review status: criteria provided, conflicting classifications (1 of 4 stars). 2 submissions from 2 submitters: Uncertain significance (1); Likely benign (1). Last evaluated 2026-08-01.

Conditions:
Supravalvar aortic stenosis (SVAS). Also called: Supravalvar aortic stenosis, Eisenberg type. Identifiers: Orphanet 3193, MedGen C0003499, MONDO:0008504, OMIM 185500, HP:0004381.

Allele frequency attached by ClinVar (database versions not stated): ExAC 0.00001; gnomAD exomes 0.00002; TOPMed 0.00002; gnomAD 0.00003; ESP Exome Variant Server 0.00008.
gnomAD v4.1: 44 of 1,613,940 alleles (0.0027%); highest among the groups gnomAD compares: Non-Finnish European, 0.0034%; no homozygotes.

Submissions (2):

CeGaT Center for Human Genetics Tuebingen
Classification: Likely benign. Last evaluated: 2026-08-01. Review status: criteria provided, single submitter. Criteria: CeGaT Center For Human Genetics Tuebingen Variant Classification Criteria Version 2. Collection method: clinical testing. Allele origin: germline. Affected: yes. Observed: 2 variant alleles.
Comment: ELN: BP4, BS2

Labcorp Genetics (formerly Invitae), Labcorp
Classification: Uncertain significance for Supravalvar aortic stenosis. Last evaluated: 2025-12-28. Review status: criteria provided, single submitter. Criteria: Invitae Variant Classification Sherloc (09022015). Collection method: clinical testing. Allele origin: germline.
Comment: This sequence change replaces arginine, which is basic and polar, with glutamine, which is neutral and polar, at codon 159 of the ELN protein (p.Arg159Gln). This variant is present in population databases (rs369045063, gnomAD 0.005%). This variant has not been reported in the literature in individuals affected with ELN-related conditions. ClinVar contains an entry for this variant (Variation ID: 493455). Invitae Evidence Modeling of protein sequence and biophysical properties (such as structural, functional, and spatial information, amino acid conservation, physicochemical variation, residue mobility, and thermodynamic stability) indicates that this missense variant is not expected to disrupt ELN protein function with a negative predictive value of 80%. In summary, the available evidence is currently insufficient to determine the role of this variant in disease. Therefore, it has been classified as a Variant of Uncertain Significance.